The following is an entry in ClinVar:

NM_002180.3(IGHMBP2):c.2713G>A (p.Gly905Ser)

Gene: IGHMBP2 (immunoglobulin mu DNA binding protein 2; plus strand). Cytogenetic location: 11q13.3.
Variant type: single nucleotide variant.
Coding change: c.2713G>A on transcript NM_002180.3 (MANE Select); coding-DNA position 2713, G replaced by A.
Protein change: p.Gly905Ser; replaces glycine 905 with serine.
Molecular consequence: missense variant.
Genome position (GRCh38, 1-based): chr11:68,938,283, G>A. VCF-style: chr11-68938283-G-A. GRCh37 (hg19) VCF-style: chr11-68705751-G-A.
Other names: short protein forms G905S.
Identifiers: ClinVar variation 639203 (VCV000639203.10), dbSNP rs772387164, ClinGen allele CA6153989.
Genomic context (GRCh38, chr11:68,938,283, plus strand): 5'-GCCCTGGTTTCTGCCGCCGTTAAGGCTGATAACACCTGCGGCTTTGCCAAGTGCACAGCC[G>A]GCGTCACAACCCTGGGCCAGTTCTGCCAGCTCTGCAGCCGCCGCTACTGCCTCAGCCACC-3'
Protein context (NP_002171.2, residues 895-915): NTCGFAKCTA[Gly905Ser]VTTLGQFCQL

ClinVar aggregate classification (germline): Conflicting classifications of pathogenicity. Review status: criteria provided, conflicting classifications (1 of 4 stars). 4 submissions from 4 submitters: Uncertain significance (2); Likely benign (1). 1 of the submissions does not count toward it. Last evaluated 2024-12-12.

Conditions:
Inborn genetic diseases. Identifiers: MedGen C0950123, MeSH D030342.
Charcot-Marie-Tooth disease axonal type 2S. Also called: CHARCOT-MARIE-TOOTH DISEASE, AXONAL, AUTOSOMAL RECESSIVE, TYPE 2S; CHARCOT-MARIE-TOOTH NEUROPATHY, TYPE 2S. Identifiers: Orphanet 443073, MedGen C4015349, MONDO:0014511, OMIM 616155.
Autosomal recessive distal spinal muscular atrophy 1. Also called: SEVERE INFANTILE AXONAL NEUROPATHY WITH RESPIRATORY FAILURE; SPINAL MUSCULAR ATROPHY, DIAPHRAGMATIC; NEURONOPATHY, DISTAL HEREDITARY MOTOR, HARDING TYPE VI; NEUROPATHY, DISTAL HEREDITARY MOTOR, AUTOSOMAL RECESSIVE 1; HMN VI; NEURONOPATHY, SEVERE INFANTILE AXONAL, WITH RESPIRATORY FAILURE. Identifiers: Orphanet 98920, MedGen C1858517, MONDO:0011436, OMIM 604320.
Charcot-Marie-Tooth disease. Also called: Charcot-Marie-Tooth Hereditary Neuropathy; Charcot-Marie-Tooth Neuropathy. Identifiers: Orphanet 166, MedGen C0007959, MONDO:0015626.

Allele frequency attached by ClinVar (database versions not stated): ExAC 0.00003; gnomAD 0.00003 and 0.00004; gnomAD exomes 0.00004; TOPMed 0.00004.
gnomAD v4.1: 118 of 1,613,656 alleles (0.0073%); highest among the groups gnomAD compares: Non-Finnish European, 0.0093%; no homozygotes.

Submissions (4):

Labcorp Genetics (formerly Invitae), Labcorp
Classification: Uncertain significance for Autosomal recessive distal spinal muscular atrophy 1; Charcot-Marie-Tooth disease axonal type 2S. Last evaluated: 2024-12-12. Review status: criteria provided, single submitter. Criteria: Invitae Variant Classification Sherloc (09022015). Collection method: clinical testing. Allele origin: germline.
Comment: This sequence change replaces glycine, which is neutral and non-polar, with serine, which is neutral and polar, at codon 905 of the IGHMBP2 protein (p.Gly905Ser). This variant is present in population databases (rs772387164, gnomAD 0.007%). This variant has not been reported in the literature in individuals affected with IGHMBP2-related conditions. ClinVar contains an entry for this variant (Variation ID: 639203). Invitae Evidence Modeling of protein sequence and biophysical properties (such as structural, functional, and spatial information, amino acid conservation, physicochemical variation, residue mobility, and thermodynamic stability) indicates that this missense variant is not expected to disrupt IGHMBP2 protein function with a negative predictive value of 95%. In summary, the available evidence is currently insufficient to determine the role of this variant in disease. Therefore, it has been classified as a Variant of Uncertain Significance.

GeneDx
Classification: Uncertain significance. Last evaluated: 2024-08-22. Review status: criteria provided, single submitter. Criteria: GeneDx Variant Classification Process June 2021. Collection method: clinical testing. Allele origin: germline. Affected: yes.
Comment: Not observed at significant frequency in large population cohorts (gnomAD); In silico analysis indicates that this missense variant does not alter protein structure/function; Has not been previously published as pathogenic or benign to our knowledge

Ambry Genetics
Classification: Likely benign for Inborn genetic diseases. Last evaluated: 2022-03-18. Review status: criteria provided, single submitter. Criteria: Ambry Variant Classification Scheme 2023. Collection method: clinical testing. Allele origin: germline.

Genesis Genome Database
Classification: Uncertain significance for Charcot-Marie-Tooth disease. Last evaluated: 2019-08-14. Review status: no assertion criteria provided. Collection method: research. Allele origin: germline. Affected: yes. Not counted in ClinVar's aggregate classification.